The following is an entry in ClinVar:

NM_013391.3(DMGDH):c.-16C>G

Gene: DMGDH (dimethylglycine dehydrogenase; minus strand). Cytogenetic location: 5q14.1.
Variant type: single nucleotide variant.
Coding change: c.-16C>G on transcript NM_013391.3 (MANE Select); 16 bases upstream of the start codon, C replaced by G.
Molecular consequence: 5 prime UTR variant. On other transcripts: non-coding transcript variant (2).
Genome position (GRCh38, 1-based): chr5:79,069,636, G>C on the plus strand (C>G on the coding strand, the complement: DMGDH is on the minus strand). VCF-style: chr5-79069636-G-C. GRCh37 (hg19) VCF-style: chr5-78365459-G-C.
Identifiers: ClinVar variation 511691 (VCV000511691.1), dbSNP rs1315182853, ClinGen allele CA560517042.

ClinVar aggregate classification (germline): Likely benign (1 of 4 stars; one submission).

Allele frequency attached by ClinVar (database versions not stated): gnomAD 0.00003; TOPMed 0.00002.
gnomAD v4.1: 72 of 1,353,324 alleles (0.0053%); highest among the groups gnomAD compares: Admixed American, 0.0094%; no homozygotes.

Submission:

GeneDx
Classification: Likely benign. Last evaluated: 2017-09-11. Review status: criteria provided, single submitter. Criteria: GeneDx Variant Classification (06012015). Collection method: clinical testing. Allele origin: germline. Affected: yes.
Comment: This variant is considered likely benign or benign based on one or more of the following criteria: it is a conservative change, it occurs at a poorly conserved position in the protein, it is predicted to be benign by multiple in silico algorithms, and/or has population frequency not consistent with disease.